The following is an entry in ClinVar:

NM_001394062.1(MACF1):c.14195A>C (p.Asp4732Ala)

Gene: MACF1 (microtubule actin crosslinking factor 1; plus strand). Cytogenetic location: 1p34.3.
Variant type: single nucleotide variant.
Coding change: c.14195A>C on transcript NM_001394062.1 (MANE Select); coding-DNA position 14195, A replaced by C.
Protein change: p.Asp4732Ala; replaces aspartic acid 4732 with alanine.
Molecular consequence: missense variant.
Genome position (GRCh38, 1-based): chr1:39,385,780, A>C. VCF-style: chr1-39385780-A-C. GRCh37 (hg19) VCF-style: chr1-39851452-A-C.
Other names: c.8009A>C, p.Asp2670Ala (NM_012090.5); short protein forms D2670A, D4732A.
Identifiers: ClinVar variation 3239501 (VCV003239501.19), dbSNP rs2522623942.

ClinVar aggregate classification (germline): Uncertain significance (1 of 4 stars; one submission).

Submission:

CeGaT Center for Human Genetics Tuebingen
Classification: Uncertain significance. Last evaluated: 2024-05-01. Review status: criteria provided, single submitter. Criteria: CeGaT Center For Human Genetics Tuebingen Variant Classification Criteria Version 2. Collection method: clinical testing. Allele origin: germline. Affected: yes. Observed: 1 variant allele.
Comment: MACF1: PM2, BP4